The following is an entry in ClinVar:

NM_000153.4(GALC):c.194G>A (p.Gly65Glu)

Genes: GALC (galactosylceramidase; minus strand), LOC130056217 (ATAC-STARR-seq lymphoblastoid silent region 5988; plus strand). Cytogenetic location: 14q31.3.
Variant type: single nucleotide variant.
Coding change: c.194G>A on transcript NM_000153.4 (MANE Select); coding-DNA position 194, G replaced by A.
Protein change: p.Gly65Glu; replaces glycine 65 with glutamic acid.
Molecular consequence: missense variant. On other transcripts: intron variant (1).
Genome position (GRCh38, 1-based): chr14:87,992,971, C>T on the plus strand (G>A on the coding strand, the complement: GALC is on the minus strand). VCF-style: chr14-87992971-C-T. GRCh37 (hg19) VCF-style: chr14-88459315-C-T.
Other names: c.194G>A, p.Gly65Glu (NM_001201401.2); c.117+412G>A (NM_001201402.2); short protein forms G65E.
Identifiers: ClinVar variation 433542 (VCV000433542.2), dbSNP rs1555384318, ClinGen allele CA390771651.
Genomic context (GRCh38, chr14:87,992,971, plus strand): 5'-CTGGCCCCACGGGGCGGGCTCTTGCCGCCCCCCGCGTATCCCCGCAGCTTGCCGCTCACC[C>T]CGCCGCCGCTGACCGCGCCGATGCCGTCGAACTCCCGGCCCAGCCCGTCGGAGTCGTCGA-3'
Protein context (NP_000144.2, residues 55-75): FDGIGAVSGG[Gly65Glu]ATSRLLVNYP

ClinVar aggregate classification (germline): Pathogenic (0 of 4 stars; one submission).

Conditions:
Galactosylceramide beta-galactosidase deficiency. Also called: GALACTOCEREBROSIDASE DEFICIENCY; GALC DEFICIENCY; GLOBOID CELL LEUKOENCEPHALOPATHY; Leukodystrophy, Globoid Cell; Krabbe Disease. Identifiers: Orphanet 487, MedGen C0023521, MONDO:0009499, OMIM 245200.

Allele frequency attached by ClinVar (database versions not stated): gnomAD exomes below 0.00001.
gnomAD v4.1: 1 of 1,520,618 alleles (0.000066%); highest among the groups gnomAD compares: Non-Finnish European, 0.000087%; no homozygotes.

Submission:

Foundation for Research in Genetics and Endocrinology, FRIGE's Institute of Human Genetics
Classification: Pathogenic for Galactosylceramide beta-galactosidase deficiency. Last evaluated: 2017-07-28. Review status: no assertion criteria provided. Collection method: clinical testing. Allele origin: germline. Inheritance: Autosomal recessive inheritance. Affected: yes. Observed: 1 variant allele, 1 homozygote.
Comment: This variant is not reported in 1000 Genomes and ExAC databases. However, this mutation is disease causing by MutationTaster, damaging by SIFT and probably damaging by PolyPhen2